The following is an entry in ClinVar:

ClinVar aggregate classification (germline): Uncertain significance. Review status: criteria provided, multiple submitters, no conflicts (2 of 4 stars). 2 submissions from 2 submitters: Uncertain significance (2). Last evaluated 2025-04-06.

Conditions:
Inborn genetic diseases. Identifiers: MedGen C0950123, MeSH D030342.

gnomAD v4.1: 18 of 1,612,026 alleles (0.0011%); highest among the groups gnomAD compares: Admixed American, 0.03%; no homozygotes.

Submissions (2):

Ambry Genetics
Classification: Uncertain significance for Inborn genetic diseases. Last evaluated: 2025-04-06. Review status: criteria provided, single submitter. Criteria: Ambry Variant Classification Scheme 2023. Collection method: clinical testing. Allele origin: germline.

Labcorp Genetics (formerly Invitae), Labcorp
Classification: Uncertain significance. Last evaluated: 2022-07-05. Review status: criteria provided, single submitter. Criteria: Invitae Variant Classification Sherloc (09022015). Collection method: clinical testing. Allele origin: germline.
Comment: In summary, the available evidence is currently insufficient to determine the role of this variant in disease. Therefore, it has been classified as a Variant of Uncertain Significance. Algorithms developed to predict the effect of missense changes on protein structure and function output the following: SIFT: "Tolerated"; PolyPhen-2: "Benign"; Align-GVGD: "Class C0". The leucine amino acid residue is found in multiple mammalian species, which suggests that this missense change does not adversely affect protein function. This variant has not been reported in the literature in individuals affected with MIPEP-related conditions. This variant is present in population databases (rs374412642, gnomAD 0.04%). This sequence change replaces phenylalanine, which is neutral and non-polar, with leucine, which is neutral and non-polar, at codon 705 of the MIPEP protein (p.Phe705Leu).

NM_005932.4(MIPEP):c.2115C>G (p.Phe705Leu)

Gene: MIPEP (mitochondrial intermediate peptidase; minus strand). Cytogenetic location: 13q12.12.
Variant type: single nucleotide variant.
Coding change: c.2115C>G on transcript NM_005932.4 (MANE Select); coding-DNA position 2115, C replaced by G.
Protein change: p.Phe705Leu; replaces phenylalanine 705 with leucine.
Molecular consequence: missense variant.
Genome position (GRCh38, 1-based): chr13:23,730,375, G>C on the plus strand (C>G on the coding strand, the complement: MIPEP is on the minus strand). VCF-style: chr13-23730375-G-C. GRCh37 (hg19) VCF-style: chr13-24304514-G-C.
Other names: c.2115C>G (NM_005932.3); short protein forms F705L.
Identifiers: ClinVar variation 2055689 (VCV002055689.5), dbSNP rs374412642, ClinGen allele CA6912658.